The following is an entry in ClinVar:

ClinVar aggregate classification (germline): Uncertain significance (1 of 4 stars; one submission).

Submission:

Labcorp Genetics (formerly Invitae), Labcorp
Classification: Uncertain significance. Last evaluated: 2024-06-04. Review status: criteria provided, single submitter. Criteria: Invitae Variant Classification Sherloc (09022015). Collection method: clinical testing. Allele origin: germline.
Comment: This variant, c.216_254dup, results in the insertion of 13 amino acid(s) of the LEMD3 protein (p.Thr75_Ala87dup), but otherwise preserves the integrity of the reading frame. This variant is not present in population databases (gnomAD no frequency). This variant has not been reported in the literature in individuals affected with LEMD3-related conditions. ClinVar contains an entry for this variant (Variation ID: 1354542). Experimental studies and prediction algorithms are not available or were not evaluated, and the functional significance of this variant is currently unknown. In summary, the available evidence is currently insufficient to determine the role of this variant in disease. Therefore, it has been classified as a Variant of Uncertain Significance.

NM_014319.5(LEMD3):c.216_254dup (p.Thr75_Ala87dup)

Gene: LEMD3 (LEM domain containing 3; plus strand). Cytogenetic location: 12q14.3.
Variant type: Duplication.
Coding change: c.216_254dup on transcript NM_014319.5 (MANE Select); coding-DNA positions 216 to 254, 39 bases duplicated.
Protein change: p.Thr75_Ala87dup.
Molecular consequence: inframe insertion.
Genome position (GRCh38, 1-based): chr12:65,169,812-65,169,850, 39 bases duplicated; duplicating any 39 consecutive bases within chr12:65,169,808-65,169,850 gives the same sequence; the c. name uses the placement nearest the transcript's 3' end. GRCh37 (hg19): chr12:65,563,592-65,563,630.
Other names: c.216_254dup, p.Thr75_Ala87dup (NM_001167614.2).
Identifiers: ClinVar variation 1354542 (VCV001354542.8), dbSNP rs1565775267, ClinGen allele CA913734915.